The following is an entry in ClinVar:

ClinVar aggregate classification (germline): Uncertain significance (1 of 4 stars; one submission).

Conditions:
Hereditary cancer-predisposing syndrome. Also called: Neoplastic Syndromes, Hereditary; Tumor predisposition; Hereditary neoplastic syndrome; Hereditary Cancer Syndrome. Identifiers: Orphanet 140162, MedGen C0027672, MeSH D009386, MONDO:0015356.

Submission:

Ambry Genetics
Classification: Uncertain significance for Hereditary cancer-predisposing syndrome. Last evaluated: 2026-07-07. Review status: criteria provided, single submitter. Criteria: Ambry Variant Classification Scheme 2023. Collection method: clinical testing. Allele origin: germline.
Comment: The p.P39R variant (also known as c.116C>G), located in coding exon 2 of the SDHD gene, results from a C to G substitution at nucleotide position 116. The proline at codon 39 is replaced by arginine, an amino acid with dissimilar properties. This amino acid position is conserved. In addition, the in silico prediction for this alteration is inconclusive. Based on the available evidence, the clinical significance of this variant remains unclear.

NM_003002.4(SDHD):c.116C>G (p.Pro39Arg)

Gene: SDHD (succinate dehydrogenase complex subunit D; plus strand). Cytogenetic location: 11q23.1.
Variant type: single nucleotide variant.
Coding change: c.116C>G on transcript NM_003002.4 (MANE Select); coding-DNA position 116, C replaced by G.
Protein change: p.Pro39Arg; replaces proline 39 with arginine.
Molecular consequence: missense variant. On other transcripts: non-coding transcript variant (1), intron variant (1).
Genome position (GRCh38, 1-based): chr11:112,087,920, C>G. VCF-style: chr11-112087920-C-G. GRCh37 (hg19) VCF-style: chr11-111958644-C-G.
Other names: c.116C>G, p.Pro39Arg (NM_001276503.2, NM_001276506.2); c.53-947C>G (NM_001276504.2); short protein forms P39R.
Identifiers: ClinVar variation 5029375 (VCV005029375.1).